The following is an entry in ClinVar:

ClinVar aggregate classification (germline): Benign/Likely benign. Review status: criteria provided, multiple submitters, no conflicts (2 of 4 stars). 2 submissions from 2 submitters: Benign (1); Likely benign (1). Last evaluated 2024-10-28.

Allele frequency attached by ClinVar (database versions not stated): ESP Exome Variant Server 0.00008; gnomAD exomes 0.00054 and 0.00198; gnomAD 0.00073 and 0.00102; TOPMed 0.00153; ExAC 0.00202; 1000 Genomes Project 0.00419; 1000 Genomes Project 30x 0.00437.
gnomAD v4.1: 962 of 1,613,598 alleles (0.06%); highest among the groups gnomAD compares: East Asian, 1.9%; 13 homozygotes.

Submissions (2):

Labcorp Genetics (formerly Invitae), Labcorp
Classification: Benign. Last evaluated: 2024-10-28. Review status: criteria provided, single submitter. Criteria: Invitae Variant Classification Sherloc (09022015). Collection method: clinical testing. Allele origin: germline.

CeGaT Center for Human Genetics Tuebingen
Classification: Likely benign. Last evaluated: 2024-05-01. Review status: criteria provided, single submitter. Criteria: CeGaT Center For Human Genetics Tuebingen Variant Classification Criteria Version 2. Collection method: clinical testing. Allele origin: germline. Affected: yes. Observed: 1 variant allele.
Comment: IL11RA: PM5, BS1, BS2

NM_001142784.3(IL11RA):c.782G>A (p.Arg261His)

Gene: IL11RA (interleukin 11 receptor subunit alpha; plus strand). Cytogenetic location: 9p13.3.
Variant type: single nucleotide variant.
Coding change: c.782G>A on transcript NM_001142784.3 (MANE Select); coding-DNA position 782, G replaced by A.
Protein change: p.Arg261His; replaces arginine 261 with histidine.
Molecular consequence: missense variant. On other transcripts: non-coding transcript variant (1).
Genome position (GRCh38, 1-based): chr9:34,658,655, G>A. VCF-style: chr9-34658655-G-A. GRCh37 (hg19) VCF-style: chr9-34658652-G-A.
Other names: short protein forms R261H.
Identifiers: ClinVar variation 1600861 (VCV001600861.27), dbSNP rs117149170, ClinGen allele CA5036590.